The following is an entry in ClinVar:

NM_000135.4(FANCA):c.3584G>A (p.Arg1195Gln)

Gene: FANCA (FA complementation group A; minus strand). Cytogenetic location: 16q24.3.
Variant type: single nucleotide variant.
Coding change: c.3584G>A on transcript NM_000135.4 (MANE Select); coding-DNA position 3584, G replaced by A.
Protein change: p.Arg1195Gln; replaces arginine 1195 with glutamine.
Molecular consequence: missense variant.
Genome position (GRCh38, 1-based): chr16:89,745,001, C>T on the plus strand (G>A on the coding strand, the complement: FANCA is on the minus strand). VCF-style: chr16-89745001-C-T. GRCh37 (hg19) VCF-style: chr16-89811409-C-T.
Other names: c.3584G>A (NM_000135.3); c.3584G>A, p.Arg1195Gln (NM_001286167.3); short protein forms R1195Q.
Identifiers: ClinVar variation 134271 (VCV000134271.26), dbSNP rs138013482, ClinGen allele CA159319.
Genomic context (GRCh38, chr16:89,745,001, plus strand): 5'-CTCACCACCCACACGTACTCGCTGGCAAACTGCCGGCCTTCTTGTAGCTTCTGCAGTTCC[C>T]GGGGCAGCGGGCTCTGGCAGTGTCTCCTCCACCGGCAGAGCAGCACAGGCTCCAGGCTCG-3'
Protein context (NP_000126.2, residues 1185-1205): WRRHCQSPLP[Arg1195Gln]ELQKLQEGRQ

ClinVar aggregate classification (germline): Conflicting classifications of pathogenicity. Review status: criteria provided, conflicting classifications (1 of 4 stars). 10 submissions from 10 submitters: Uncertain significance (1); Benign (2); Likely benign (4). 3 of the submissions do not count toward it. Last evaluated 2026-03-01.

Conditions:
FANCA-related disorder. Also called: FANCA-related condition.
Inborn genetic diseases. Identifiers: MedGen C0950123, MeSH D030342.
Fanconi anemia (FA). Also called: Fanconi's anemia. Identifiers: Orphanet 84, MedGen C0015625, MeSH D005199, MONDO:0019391.
Fanconi anemia complementation group A (FANCA). Also called: Fanconi anemia, group A; FANCA-Related Fanconi Anemia. Identifiers: Orphanet 84, MedGen C3469521, MONDO:0009215, OMIM 227650.

Allele frequency attached by ClinVar (database versions not stated): gnomAD exomes 0.00014; ExAC 0.00042; ESP Exome Variant Server 0.00108; 1000 Genomes Project 30x 0.00125; 1000 Genomes Project 0.00140; gnomAD 0.00151 and 0.00166; TOPMed 0.00173.
gnomAD v4.1: 448 of 1,611,176 alleles (0.028%); highest among the groups gnomAD compares: African/African-American, 0.45%; 2 homozygotes.

Submissions (10):

CeGaT Center for Human Genetics Tuebingen
Classification: Likely benign. Last evaluated: 2026-03-01. Review status: criteria provided, single submitter. Criteria: CeGaT Center For Human Genetics Tuebingen Variant Classification Criteria Version 2. Collection method: clinical testing. Allele origin: germline. Affected: yes. Observed: 1 variant allele.
Comment: FANCA: BP4

Labcorp Genetics (formerly Invitae), Labcorp
Classification: Benign for Fanconi anemia. Last evaluated: 2026-01-31. Review status: criteria provided, single submitter. Criteria: Invitae Variant Classification Sherloc (09022015). Collection method: clinical testing. Allele origin: germline.

Quest Diagnostics Nichols Institute San Juan Capistrano
Classification: Likely benign. Last evaluated: 2025-06-18. Review status: criteria provided, single submitter. Criteria: Quest Diagnostics criteria. Collection method: clinical testing. Allele origin: unknown.

Ambry Genetics
Classification: Likely benign for Inborn genetic diseases. Last evaluated: 2024-10-04. Review status: criteria provided, single submitter. Criteria: Ambry Variant Classification Scheme 2023. Collection method: clinical testing. Allele origin: germline.

Blueprint Genetics
Classification: Likely benign. Last evaluated: 2024-08-06. Review status: criteria provided, single submitter. Criteria: ACMG Guidelines, 2015. Collection method: clinical testing. Allele origin: germline.

Sema4
Classification: Benign for Fanconi anemia. Last evaluated: 2020-10-23. Review status: criteria provided, single submitter. Criteria: Sema4 Curation Guidelines. Collection method: curation. Allele origin: germline.

Genetic Services Laboratory, University of Chicago
Classification: Uncertain significance. Last evaluated: 2019-06-26. Review status: criteria provided, single submitter. Criteria: ACMG Guidelines, 2015. Collection method: clinical testing. Allele origin: germline. Affected: no.

PreventionGenetics, part of Exact Sciences
Classification: Likely benign for FANCA-related condition. Last evaluated: 2022-01-07. Review status: no assertion criteria provided. Collection method: clinical testing. Allele origin: germline. Not counted in ClinVar's aggregate classification.
Comment: This variant is classified as likely benign based on ACMG/AMP sequence variant interpretation guidelines (Richards et al. 2015 PMID: 25741868, with internal and published modifications).

Natera, Inc.
Classification: Benign for Fanconi anemia, group A. Last evaluated: 2020-05-01. Review status: no assertion criteria provided. Collection method: clinical testing. Allele origin: germline. Not counted in ClinVar's aggregate classification.

ITMI
No classification provided. Condition: AllHighlyPenetrant. Last evaluated: 2013-09-19. Review status: no classification provided. Collection method: reference population. Allele origin: germline. Not counted in ClinVar's aggregate classification.
Comment: Please see associated publication for description of ethnicities

Literature cited by the submitters: PubMed 24728327 (cited by Quest Diagnostics Nichols Institute San Juan Capistrano and ITMI).